The following is an entry in ClinVar:

NM_002439.5(MSH3):c.910G>C (p.Val304Leu)

Genes: MSH3 (mutS homolog 3; plus strand), LOC126807437 (MED14-independent group 3 enhancer GRCh37_chr5:79968379-79969578; plus strand). Cytogenetic location: 5q14.1.
Variant type: single nucleotide variant.
Coding change: c.910G>C on transcript NM_002439.5 (MANE Select); coding-DNA position 910, G replaced by C.
Protein change: p.Val304Leu; replaces valine 304 with leucine.
Molecular consequence: missense variant.
Genome position (GRCh38, 1-based): chr5:80,672,741, G>C. VCF-style: chr5-80672741-G-C. GRCh37 (hg19) VCF-style: chr5-79968560-G-C.
Other names: short protein forms V304L.
Identifiers: ClinVar variation 1765843 (VCV001765843.2), dbSNP rs2546722828, ClinGen allele CA360267314.

ClinVar aggregate classification (germline): Uncertain significance (1 of 4 stars; one submission).

Conditions:
Hereditary cancer-predisposing syndrome. Also called: Neoplastic Syndromes, Hereditary; Tumor predisposition; Hereditary Cancer Syndrome; Hereditary neoplastic syndrome. Identifiers: Orphanet 140162, MedGen C0027672, MeSH D009386, MONDO:0015356.

Submission:

Ambry Genetics
Classification: Uncertain significance for Hereditary cancer-predisposing syndrome. Last evaluated: 2020-09-17. Review status: criteria provided, single submitter. Criteria: Ambry Variant Classification Scheme 2023. Collection method: clinical testing. Allele origin: germline.
Comment: The p.V304L variant (also known as c.910G>C), located in coding exon 6 of the MSH3 gene, results from a G to C substitution at nucleotide position 910. This variant impacts the first base pair of coding exon 6. The valine at codon 304 is replaced by leucine, an amino acid with highly similar properties. This amino acid position is highly conserved in available vertebrate species. In addition, this alteration is predicted to be deleterious by in silico analysis. Since supporting evidence is limited at this time, the clinical significance of this alteration remains unclear.